The following is an entry in ClinVar:

ClinVar aggregate classification (germline): Likely benign. Review status: criteria provided, single submitter (1 of 4 stars). 2 submissions from 2 submitters: Likely benign (1). 1 of the submissions does not count toward it. Last evaluated 2019-10-04.

Conditions:
PIEZO1-related disorder. Also called: PIEZO1-related condition; PIEZO1-Related Disorders.

Allele frequency attached by ClinVar (database versions not stated): TOPMed below 0.00001; gnomAD 0.00001; gnomAD exomes 0.00002; ExAC 0.00008; 1000 Genomes Project 30x 0.00031; 1000 Genomes Project 0.00040.
gnomAD v4.1: 36 of 1,547,682 alleles (0.0023%); highest among the groups gnomAD compares: South Asian, 0.042%; no homozygotes.

Submissions (2):

Blueprint Genetics
Classification: Likely benign. Last evaluated: 2019-10-04. Review status: criteria provided, single submitter. Criteria: ACMG Guidelines, 2015. Collection method: clinical testing. Allele origin: germline.

PreventionGenetics, part of Exact Sciences
Classification: Likely benign for PIEZO1-related condition. Last evaluated: 2019-04-04. Review status: no assertion criteria provided. Collection method: clinical testing. Allele origin: germline. Not counted in ClinVar's aggregate classification.
Comment: This variant is classified as likely benign based on ACMG/AMP sequence variant interpretation guidelines (Richards et al. 2015 PMID: 25741868, with internal and published modifications).

NM_001142864.4(PIEZO1):c.2355T>C (p.Ala785=)

Genes: HSALR1 (HSP90AB1 associated lncRNA 1; plus strand), PIEZO1 (piezo type mechanosensitive ion channel component 1 (Er blood group); minus strand). Cytogenetic location: 16q24.3.
Variant type: single nucleotide variant.
Coding change: c.2355T>C on transcript NM_001142864.4 (MANE Select); coding-DNA position 2355, T replaced by C.
Protein change: p.Ala785=; no amino-acid change (alanine 785 retained).
Molecular consequence: synonymous variant.
Genome position (GRCh38, 1-based): chr16:88,733,720, A>G on the plus strand (T>C on the coding strand, the complement: PIEZO1 is on the minus strand). VCF-style: chr16-88733720-A-G. GRCh37 (hg19) VCF-style: chr16-88800128-A-G.
Other names: c.897T>C, p.Ala299= (NM_014745.1).
Identifiers: ClinVar variation 3047858 (VCV003047858.3), dbSNP rs367986919, ClinGen allele CA8232795.